The following is an entry in ClinVar:

NM_032444.4(SLX4):c.5285C>G (p.Ser1762Cys)

Gene: SLX4 (SLX4 structure-specific endonuclease subunit; minus strand). Cytogenetic location: 16p13.3.
Variant type: single nucleotide variant.
Coding change: c.5285C>G on transcript NM_032444.4 (MANE Select); coding-DNA position 5285, C replaced by G.
Protein change: p.Ser1762Cys; replaces serine 1762 with cysteine.
Molecular consequence: missense variant.
Genome position (GRCh38, 1-based): chr16:3,582,562, G>C on the plus strand (C>G on the coding strand, the complement: SLX4 is on the minus strand). VCF-style: chr16-3582562-G-C. GRCh37 (hg19) VCF-style: chr16-3632563-G-C.
Other names: short protein forms S1762C.
Identifiers: ClinVar variation 4751497 (VCV004751497.1).
Genomic context (GRCh38, chr16:3,582,562, plus strand): 5'-TGCAGCTCCCGCAGCTCAAAGGGCTGGTACAGCAGCACCTTCTGGTACAGGGCCGGCTTG[G>C]AGCGGATGTAGCACCTCAGCGCCTCGTCTGTGTCCGCCGCCTGCACGGCTGCCTGCGAGG-3'
Protein context (NP_115820.2, residues 1752-1772): TDEALRCYIR[Ser1762Cys]KPALYQKVLL

ClinVar aggregate classification (germline): Uncertain significance (1 of 4 stars; one submission).

Conditions:
Fanconi anemia (FA). Also called: Fanconi's anemia. Identifiers: Orphanet 84, MedGen C0015625, MeSH D005199, MONDO:0019391.

Submission:

Labcorp Genetics (formerly Invitae), Labcorp
Classification: Uncertain significance for Fanconi anemia. Last evaluated: 2026-01-27. Review status: criteria provided, single submitter. Criteria: Invitae Variant Classification Sherloc (09022015). Collection method: clinical testing. Allele origin: germline.
Comment: This sequence change replaces serine, which is neutral and polar, with cysteine, which is neutral and slightly polar, at codon 1762 of the SLX4 protein (p.Ser1762Cys). This variant is not present in population databases (gnomAD no frequency). This variant has not been reported in the literature in individuals affected with SLX4-related conditions. An algorithm developed to predict the effect of missense changes on protein structure and function (PolyPhen-2) suggests that this variant is likely to be disruptive. In summary, the available evidence is currently insufficient to determine the role of this variant in disease. Therefore, it has been classified as a Variant of Uncertain Significance.